The following is an entry in ClinVar:

ClinVar aggregate classification (germline): Uncertain significance (1 of 4 stars; one submission).

Conditions:
Hereditary sensory and autonomic neuropathy type 6. Also called: Neuropathy, hereditary sensory and autonomic, type VI; HSAN VI. Identifiers: Orphanet 314381, MedGen C3539003, MONDO:0013839, OMIM 614653.
Epidermolysis bullosa simplex 3, localized or generalized intermediate, with BP230 deficiency (EBS3). Also called: Epidermolysis bullosa simplex due to BP230 deficiency; Epidermolysis bullosa simplex, autosomal recessive 2. Identifiers: Orphanet 412181, MedGen C3809470, MONDO:0014180, OMIM 615425.

Allele frequency attached by ClinVar (database versions not stated): gnomAD exomes below 0.00001; gnomAD 0.00001; TOPMed 0.00001.
gnomAD v4.1: 5 of 1,614,006 alleles (0.00031%); highest among the groups gnomAD compares: Non-Finnish European, 0.00042%; no homozygotes.

Submission:

Labcorp Genetics (formerly Invitae), Labcorp
Classification: Uncertain significance for Epidermolysis bullosa simplex 3, localized or generalized intermediate, with BP230 deficiency; Hereditary sensory and autonomic neuropathy type 6. Last evaluated: 2022-03-29. Review status: criteria provided, single submitter. Criteria: Invitae Variant Classification Sherloc (09022015). Collection method: clinical testing. Allele origin: germline.
Comment: This sequence change replaces glutamic acid, which is acidic and polar, with lysine, which is basic and polar, at codon 1804 of the DST protein (p.Glu1804Lys). This variant is not present in population databases (gnomAD no frequency). This variant has not been reported in the literature in individuals affected with DST-related conditions. Algorithms developed to predict the effect of missense changes on protein structure and function (SIFT, PolyPhen-2, Align-GVGD) all suggest that this variant is likely to be tolerated. In summary, the available evidence is currently insufficient to determine the role of this variant in disease. Therefore, it has been classified as a Variant of Uncertain Significance.

NM_001723.7(DST):c.5410G>A (p.Glu1804Lys)

Gene: DST (dystonin; minus strand). Cytogenetic location: 6p12.1.
Variant type: single nucleotide variant.
Coding change: c.5410G>A on transcript NM_001723.7 (MANE Plus Clinical); coding-DNA position 5410, G replaced by A.
Protein change: p.Glu1804Lys; replaces glutamic acid 1804 with lysine.
Molecular consequence: missense variant. On other transcripts: intron variant (10).
Genome position (GRCh38, 1-based): chr6:56,618,624, C>T on the plus strand (G>A on the coding strand, the complement: DST is on the minus strand). VCF-style: chr6-56618624-C-T. GRCh37 (hg19) VCF-style: chr6-56483422-C-T.
Other names: c.4831-4140G>A (NM_001144769.5); c.4930-4140G>A (NM_001374722.1, NM_001374736.1); c.4957-4140G>A (NM_001374734.1); c.4417-4140G>A (NM_001144770.2); c.4297-4140G>A (NM_001374730.1, NM_001386100.1, NM_183380.4 and 1 more transcripts); c.3319-4140G>A (NM_015548.5); short protein forms E1804K.
Identifiers: ClinVar variation 1966413 (VCV001966413.2), dbSNP rs1005318080, ClinGen allele CA139209047.